The following is an entry in ClinVar:

NM_000756.4(CRH):c.85G>A (p.Gly29Arg)

Genes: CRH (corticotropin releasing hormone; minus strand), LOC130000523 (ATAC-STARR-seq lymphoblastoid active region 27476; plus strand). Cytogenetic location: 8q13.1.
Variant type: single nucleotide variant.
Coding change: c.85G>A on transcript NM_000756.4 (MANE Select); coding-DNA position 85, G replaced by A.
Protein change: p.Gly29Arg; replaces glycine 29 with arginine.
Molecular consequence: missense variant.
Genome position (GRCh38, 1-based): chr8:66,177,393, C>T on the plus strand (G>A on the coding strand, the complement: CRH is on the minus strand). VCF-style: chr8-66177393-C-T. GRCh37 (hg19) VCF-style: chr8-67089628-C-T.
Other names: short protein forms G29R.
Identifiers: ClinVar variation 1764003 (VCV001764003.2), dbSNP rs770289584, ClinGen allele CA4766203.
Genomic context (GRCh38, chr8:66,177,393, plus strand): 5'-GCTGGAAGAAATCCAAGGGCTGAGGGTGCTGCGGCGCCTGCCGAGCTCCCGGGACCGGCC[C>T]GCGGCTCAGGAGCGCCCTGCATGGCGGGCAGGGCAGGAGAGCCACCAGCAGGACTCCCGC-3'
Protein context (NP_000747.1, residues 19-39): CPPCRALLSR[Gly29Arg]PVPGARQAPQ

ClinVar aggregate classification (germline): Uncertain significance (1 of 4 stars; one submission).

Allele frequency attached by ClinVar (database versions not stated): gnomAD exomes below 0.00001; gnomAD 0.00001; TOPMed 0.00002.

Submission:

Ambry Genetics
Classification: Uncertain significance. Last evaluated: 2019-05-24. Review status: criteria provided, single submitter. Criteria: Ambry Variant Classification Scheme 2023. Collection method: clinical testing. Allele origin: germline.
Comment: The p.G29R variant (also known as c.85G>A), located in coding exon 1 of the CRH gene, results from a G to A substitution at nucleotide position 85. The glycine at codon 29 is replaced by arginine, an amino acid with dissimilar properties. This amino acid position is not well conserved in available vertebrate species. In addition, this alteration is predicted to be tolerated by in silico analysis. Since supporting evidence is limited at this time, the clinical significance of this alteration remains unclear.